The following is an entry in ClinVar:

ClinVar aggregate classification (germline): Pathogenic/Likely pathogenic. Review status: criteria provided, multiple submitters, no conflicts (2 of 4 stars). 2 submissions from 2 submitters: Pathogenic (1); Likely pathogenic (1). Last evaluated 2025-05-21.

Conditions:
Acrocallosal syndrome (ACLS). Also called: HALLUX DUPLICATION, POSTAXIAL POLYDACTYLY, AND ABSENCE OF CORPUS CALLOSUM; Schinzel syndrome 1; Absence of corpus callosum with unusual facial appearance, mental deficiency, duplication of the halluces and polydactyly. Identifiers: Orphanet 36, MedGen C0796147, MONDO:0008708, OMIM 200990.
Hydrolethalus syndrome 2 (HLS2). Identifiers: Orphanet 2189, MedGen C3279899, MONDO:0013585, OMIM 614120.
Multiple epiphyseal dysplasia, Al-Gazali type. Also called: Macrocephaly with multiple epiphyseal dysplasia and distinctive facies. Identifiers: Orphanet 166024, MedGen C1846722, MONDO:0011778, OMIM 607131.

gnomAD v4.1: 2 of 1,610,820 alleles (0.00012%); highest among the groups gnomAD compares: African/African-American, 0.0013%; no homozygotes.

Submissions (2):

Labcorp Genetics (formerly Invitae), Labcorp
Classification: Pathogenic for Acrocallosal syndrome. Last evaluated: 2025-05-21. Review status: criteria provided, single submitter. Criteria: Invitae Variant Classification Sherloc (09022015). Collection method: clinical testing. Allele origin: germline.
Comment: This sequence change creates a premature translational stop signal (p.Gln839*) in the KIF7 gene. It is expected to result in an absent or disrupted protein product. Loss-of-function variants in KIF7 are known to be pathogenic (PMID: 19666503, 21552264, 21633164, 26648833). This variant is not present in population databases (gnomAD no frequency). This variant has not been reported in the literature in individuals affected with KIF7-related conditions. ClinVar contains an entry for this variant (Variation ID: 3891489). For these reasons, this variant has been classified as Pathogenic.

Department of Pathology and Laboratory Medicine, Sinai Health System
Classification: Likely pathogenic for Acrocallosal syndrome; Multiple epiphyseal dysplasia, Al-Gazali type; Hydrolethalus syndrome 2. Last evaluated: 2021-07-30. Review status: criteria provided, single submitter. Criteria: ACMG Guidelines, 2015. Collection method: research. Allele origin: germline.

Literature cited by the submitters: PubMed 19666503 (cited by Labcorp Genetics (formerly Invitae), Labcorp); PubMed 21552264 (cited by Labcorp Genetics (formerly Invitae), Labcorp); PubMed 21633164 (cited by Labcorp Genetics (formerly Invitae), Labcorp); PubMed 26648833 (cited by Labcorp Genetics (formerly Invitae), Labcorp).

NM_198525.3(KIF7):c.2515C>T (p.Gln839Ter)

Gene: KIF7 (kinesin family member 7; minus strand). Cytogenetic location: 15q26.1.
Variant type: single nucleotide variant.
Coding change: c.2515C>T on transcript NM_198525.3 (MANE Select); coding-DNA position 2515, C replaced by T.
Protein change: p.Gln839Ter; replaces glutamine 839 with a stop codon.
Molecular consequence: nonsense.
Genome position (GRCh38, 1-based): chr15:89,633,763, G>A on the plus strand (C>T on the coding strand, the complement: KIF7 is on the minus strand). VCF-style: chr15-89633763-G-A. GRCh37 (hg19) VCF-style: chr15-90176994-G-A.
Other names: short protein forms Q839*.
Identifiers: ClinVar variation 3891489 (VCV003891489.2).